The following is an entry in ClinVar:

NM_001127222.2(CACNA1A):c.6449G>A (p.Arg2150Gln)

Gene: CACNA1A (calcium voltage-gated channel subunit alpha1 A; minus strand). Cytogenetic location: 19p13.13.
Variant type: single nucleotide variant.
Coding change: c.6449G>A on transcript NM_001127222.2 (MANE Select); coding-DNA position 6449, G replaced by A.
Protein change: p.Arg2150Gln; replaces arginine 2150 with glutamine.
Molecular consequence: missense variant.
Genome position (GRCh38, 1-based): chr19:13,209,389, C>T on the plus strand (G>A on the coding strand, the complement: CACNA1A is on the minus strand). VCF-style: chr19-13209389-C-T. GRCh37 (hg19) VCF-style: chr19-13320203-C-T.
Other names: c.6452G>A (NM_000068.2); c.6467G>A, p.Arg2156Gln (NM_000068.4, NM_023035.3); c.6452G>A, p.Arg2151Gln (NM_001127221.2); c.6458G>A, p.Arg2153Gln (NM_001174080.2); short protein forms R2151Q, R2150Q, R2153Q, R2156Q.
Identifiers: ClinVar variation 542823 (VCV000542823.35), dbSNP rs751044309, ClinGen allele CA9239362.

ClinVar aggregate classification (germline): Conflicting classifications of pathogenicity. Review status: criteria provided, conflicting classifications (1 of 4 stars). 4 submissions from 4 submitters: Uncertain significance (3); Likely benign (1). Last evaluated 2025-10-17.

Conditions:
Inborn genetic diseases. Identifiers: MedGen C0950123, MeSH D030342.
Episodic ataxia type 2 (EA2). Also called: EPISODIC ATAXIA, NYSTAGMUS-ASSOCIATED; ACETAZOLAMIDE-RESPONSIVE HEREDITARY PAROXYSMAL CEREBELLAR ATAXIA; ATAXIA, EPISODIC, WITH NYSTAGMUS; ATAXIA, FAMILIAL PAROXYSMAL; CEREBELLAR ATAXIA, PAROXYSMAL, ACETAZOLAMIDE-RESPONSIVE; CEREBELLOPATHY, HEREDITARY PAROXYSMAL. Identifiers: Orphanet 97, MedGen C1720416, MONDO:0007163, OMIM 108500.
Developmental and epileptic encephalopathy, 42 (DEE42A). Also called: Epileptic encephalopathy, early infantile, 42; EPILEPTIC ENCEPHALOPATHY, EARLY INFANTILE, 42A; DEVELOPMENTAL AND EPILEPTIC ENCEPHALOPATHY 42A. Identifiers: MedGen C4310716, MONDO:0014917, OMIM 617106.

Allele frequency attached by ClinVar (database versions not stated): ExAC below 0.00001; gnomAD 0.00001; TOPMed 0.00001; gnomAD exomes 0.00006.
gnomAD v4.1: 22 of 1,396,254 alleles (0.0016%); highest among the groups gnomAD compares: Non-Finnish European, 0.0019%; no homozygotes.

Submissions (4):

Labcorp Genetics (formerly Invitae), Labcorp
Classification: Likely benign for Developmental and epileptic encephalopathy, 42; Episodic ataxia type 2. Last evaluated: 2025-10-17. Review status: criteria provided, single submitter. Criteria: Invitae Variant Classification Sherloc (09022015). Collection method: clinical testing. Allele origin: germline.

Athena Diagnostics
Classification: Uncertain significance. Last evaluated: 2025-02-04. Review status: criteria provided, single submitter. Criteria: Athena Diagnostics Criteria. Collection method: clinical testing. Allele origin: unknown.
Comment: Available data are insufficient to determine the clinical significance of the variant at this time. The frequency of this variant in the general population is uninformative in assessment of its pathogenicity. Polyphen and MutationTaster predict this amino acid change may be benign.

CeGaT Center for Human Genetics Tuebingen
Classification: Uncertain significance. Last evaluated: 2022-07-01. Review status: criteria provided, single submitter. Criteria: CeGaT Center For Human Genetics Tuebingen Variant Classification Criteria Version 2. Collection method: clinical testing. Allele origin: germline. Affected: yes. Observed: 1 variant allele.
Comment: CACNA1A: PP2

Ambry Genetics
Classification: Uncertain significance for Inborn genetic diseases. Last evaluated: 2021-07-09. Review status: criteria provided, single submitter. Criteria: Ambry Variant Classification Scheme 2023. Collection method: clinical testing. Allele origin: germline.